The following is an entry in ClinVar:

NM_022765.4(MICAL1):c.2125C>T (p.Arg709Cys)

Gene: MICAL1 (microtubule associated monooxygenase, calponin and LIM domain containing 1; minus strand). Cytogenetic location: 6q21.
Variant type: single nucleotide variant.
Coding change: c.2125C>T on transcript NM_022765.4 (MANE Select); coding-DNA position 2125, C replaced by T.
Protein change: p.Arg709Cys; replaces arginine 709 with cysteine.
Molecular consequence: missense variant.
Genome position (GRCh38, 1-based): chr6:109,447,175, G>A on the plus strand (C>T on the coding strand, the complement: MICAL1 is on the minus strand). VCF-style: chr6-109447175-G-A. GRCh37 (hg19) VCF-style: chr6-109768378-G-A.
Other names: c.1867C>T, p.Arg623Cys (NM_001159291.2); c.2182C>T, p.Arg728Cys (NM_001286613.2); short protein forms R728C, R623C, R709C.
Identifiers: ClinVar variation 1413442 (VCV001413442.6), dbSNP rs374178476, ClinGen allele CA3953054.

ClinVar aggregate classification (germline): Uncertain significance (1 of 4 stars; one submission).

Allele frequency attached by ClinVar (database versions not stated): gnomAD exomes 0.00004 and 0.00011; ExAC 0.00005; TOPMed 0.00007; ESP Exome Variant Server 0.00008; gnomAD 0.00013 and 0.00014; 1000 Genomes Project 30x 0.00016; 1000 Genomes Project 0.00020.
gnomAD v4.1: 182 of 1,614,172 alleles (0.011%); highest among the groups gnomAD compares: African/African-American, 0.015%; no homozygotes.

Submission:

Labcorp Genetics (formerly Invitae), Labcorp
Classification: Uncertain significance. Last evaluated: 2025-03-03. Review status: criteria provided, single submitter. Criteria: Invitae Variant Classification Sherloc (09022015). Collection method: clinical testing. Allele origin: germline.
Comment: This sequence change replaces arginine, which is basic and polar, with cysteine, which is neutral and slightly polar, at codon 728 of the MICAL1 protein (p.Arg728Cys). This variant is present in population databases (rs374178476, gnomAD 0.02%). This variant has not been reported in the literature in individuals affected with MICAL1-related conditions. ClinVar contains an entry for this variant (Variation ID: 1413442). An algorithm developed to predict the effect of missense changes on protein structure and function (PolyPhen-2) suggests that this variant is likely to be disruptive. In summary, the available evidence is currently insufficient to determine the role of this variant in disease. Therefore, it has been classified as a Variant of Uncertain Significance.